The following is an entry in ClinVar:

ClinVar aggregate classification (germline): Likely benign. Review status: criteria provided, multiple submitters, no conflicts (2 of 4 stars). 4 submissions from 4 submitters: Likely benign (4). Last evaluated 2026-07-01.

Allele frequency attached by ClinVar (database versions not stated): gnomAD exomes 0.00032 and 0.00204; gnomAD 0.00094; 1000 Genomes Project 0.00100; 1000 Genomes Project 30x 0.00109; TOPMed 0.00142.
gnomAD v4.1: 593 of 1,553,056 alleles (0.038%); highest among the groups gnomAD compares: Admixed American, 0.96%; 2 homozygotes.

Submissions (4):

CeGaT Center for Human Genetics Tuebingen
Classification: Likely benign. Last evaluated: 2026-07-01. Review status: criteria provided, single submitter. Criteria: CeGaT Center For Human Genetics Tuebingen Variant Classification Criteria Version 2. Collection method: clinical testing. Allele origin: germline. Affected: yes. Observed: 3 variant alleles.
Comment: ERMARD: BP4, BP7

Blueprint Genetics
Classification: Likely benign. Last evaluated: 2024-11-25. Review status: criteria provided, single submitter. Criteria: ACMG Guidelines, 2015. Collection method: clinical testing. Allele origin: germline.

GeneDx
Classification: Likely benign. Last evaluated: 2018-09-22. Review status: criteria provided, single submitter. Criteria: GeneDx Variant Classification Process June 2021. Collection method: clinical testing. Allele origin: germline. Affected: yes.

Breakthrough Genomics
Classification: Likely benign. Review status: criteria provided, single submitter. Criteria: ACMG Guidelines, 2015. Collection method: not provided. Allele origin: germline. Inheritance: Autosomal dominant inheritance. Affected: yes.

NM_018341.3(ERMARD):c.1521-112C>T

Gene: ERMARD (ER membrane associated RNA degradation; plus strand). Cytogenetic location: 6q27.
Variant type: single nucleotide variant.
Coding change: c.1521-112C>T on transcript NM_018341.3 (MANE Select); 112 bases into the intron before coding-DNA position 1521, C replaced by T.
Molecular consequence: intron variant. On other transcripts: synonymous variant (1).
Genome position (GRCh38, 1-based): chr6:169,776,343, C>T. VCF-style: chr6-169776343-C-T. GRCh37 (hg19) VCF-style: chr6-170176439-C-T.
Other names: c.1530C>T, p.Ser510= (NM_001278531.2); c.1520+278C>T (NM_001278533.2); c.1143-112C>T (NM_001278532.2).
Identifiers: ClinVar variation 1318327 (VCV001318327.11), dbSNP rs182019483, ClinGen allele CA4106314.
Genomic context (GRCh38, chr6:169,776,343, plus strand): 5'-AATTCAGTGTGTTTAGTTAACACTTGCCGCGTGTCACGGTTGTCCCTGCAGACCAACCAG[C>T]GATACGCCGCTAGCCCTGGCTCCCAGAAAGCCGCAGCCTTGCAGGTGCAGAAGGAGAGTG-3'